The following is an entry in ClinVar:

NM_017534.6(MYH2):c.4483G>T (p.Glu1495Ter)

Genes: MYH2 (myosin heavy chain 2; minus strand), MYHAS (myosin heavy chain gene cluster antisense RNA; plus strand), LOC126862500 (BRD4-independent group 4 enhancer GRCh37_chr17:10427829-10429028; plus strand). Cytogenetic location: 17p13.1.
Variant type: single nucleotide variant.
Coding change: c.4483G>T on transcript NM_017534.6 (MANE Select); coding-DNA position 4483, G replaced by T.
Protein change: p.Glu1495Ter; replaces glutamic acid 1495 with a stop codon.
Molecular consequence: nonsense.
Genome position (GRCh38, 1-based): chr17:10,525,505, C>A on the plus strand (G>T on the coding strand, the complement: MYH2 is on the minus strand). VCF-style: chr17-10525505-C-A. GRCh37 (hg19) VCF-style: chr17-10428822-C-A.
Other names: c.4483G>T, p.Glu1495Ter (NM_001100112.2); short protein forms E1495*.
Identifiers: ClinVar variation 5005673 (VCV005005673.2).
Genomic context (GRCh38, chr17:10,525,505, plus strand): 5'-ACTTACGCTGTAAGTTTTTGTTCTCTCGCTTCAGGGTTTCTAGCTGATCCAAAGATTCCT[C>A]ATAGGCATTCTTTATCTTGAACAGCTCAGTGCCAAGGGAACGGGCCTCCTTCTGGGAGGC-3'

ClinVar aggregate classification (germline): Likely pathogenic (1 of 4 stars; one submission).

Conditions:
Myopathy, proximal, and ophthalmoplegia (CMYO6). Also called: CONGENITAL MYOPATHY 6 WITH OPHTHALMOPLEGIA; MYOPATHY WITH CONGENITAL JOINT CONTRACTURES, OPHTHALMOPLEGIA, AND RIMMED VACUOLES; INCLUSION BODY MYOPATHY 3, AUTOSOMAL DOMINANT. Identifiers: Orphanet 363677, Orphanet 79091, MedGen C1854106, MONDO:0011577, OMIM 605637.

Submission:

Juno Genomics, Hangzhou Juno Genomics, Inc
Classification: Likely pathogenic for Myopathy, proximal, and ophthalmoplegia. Review status: criteria provided, single submitter. Criteria: ACMG Guidelines, 2015. Collection method: clinical testing. Allele origin: germline.
Comment: Null variant in a gene where loss of function (LOF) is a known mechanism of disease.;Absent from controls (or at extremely low frequency if recessive) in Genome Aggregation Database.